The following is an entry in ClinVar:

NM_017514.5(PLXNA3):c.4047G>A (p.Thr1349=)

Gene: PLXNA3 (plexin A3; plus strand). Cytogenetic location: Xq28.
Variant type: single nucleotide variant.
Coding change: c.4047G>A on transcript NM_017514.5 (MANE Select); coding-DNA position 4047, G replaced by A.
Protein change: p.Thr1349=; no amino-acid change (threonine 1349 retained).
Molecular consequence: synonymous variant.
Genome position (GRCh38, 1-based): chrX:154,468,386, G>A. VCF-style: chrX-154468386-G-A. GRCh37 (hg19) VCF-style: chrX-153696729-G-A.
Identifiers: ClinVar variation 3060792 (VCV003060792.2), dbSNP rs782635524, ClinGen allele CA10564794.

ClinVar aggregate classification (germline): Likely benign (0 of 4 stars; one submission).

Conditions:
PLXNA3-related disorder. Also called: PLXNA3-related condition.

Allele frequency attached by ClinVar (database versions not stated): gnomAD 0.00001; TOPMed 0.00001; ExAC 0.00002; gnomAD exomes 0.00003.
gnomAD v4.1: 33 of 1,209,554 alleles (0.0027%); highest among the groups gnomAD compares: Non-Finnish European, 0.0035%; no homozygotes.

Submission:

PreventionGenetics, part of Exact Sciences
Classification: Likely benign for PLXNA3-related condition. Last evaluated: 2023-05-24. Review status: no assertion criteria provided. Collection method: clinical testing. Allele origin: germline.
Comment: This variant is classified as likely benign based on ACMG/AMP sequence variant interpretation guidelines (Richards et al. 2015 PMID: 25741868, with internal and published modifications).